The following is an entry in ClinVar:

ClinVar aggregate classification (germline): Likely pathogenic (1 of 4 stars; one submission).

Submission:

GeneDx
Classification: Likely pathogenic. Last evaluated: 2021-12-27. Review status: criteria provided, single submitter. Criteria: GeneDx Variant Classification Process June 2021. Collection method: clinical testing. Allele origin: germline. Affected: yes.
Comment: Frameshift variant predicted to result in protein truncation or nonsense mediated decay in a gene for which loss-of-function is a known mechanism of disease; Not observed at significant frequency in large population cohorts (gnomAD); Has not been previously published as pathogenic or benign to our knowledge; This variant is associated with the following publications: (PMID: 31964843)

NM_001044385.3(TMEM237):c.662_669del (p.Val221fs)

Gene: TMEM237 (transmembrane protein 237; minus strand). Cytogenetic location: 2q33.1.
Variant type: Deletion.
Coding change: c.662_669del on transcript NM_001044385.3 (MANE Select); coding-DNA positions 662 to 669, 8 bases deleted (TGCACCGG; older notation c.662_669delTGCACCGG).
Protein change: p.Val221fs; shifts the reading frame from valine 221.
Molecular consequence: frameshift variant.
Genome position (GRCh38, 1-based): chr2:201,629,737-201,629,744, CCGGTGCA deleted on the plus strand (TGCACCGG on the coding strand, the reverse complement: TMEM237 is on the minus strand); deleting any 8 consecutive bases within chr2:201,629,737-201,629,745 gives the same sequence; the c. name uses the placement nearest the transcript's 3' end. VCF-style (leftmost placement, unchanged base first): chr2-201629736-CCCGGTGCA-C. GRCh37 (hg19) VCF-style: chr2-202494459-CCCGGTGCA-C.
Other names: c.638_645del, p.Val213fs (NM_152388.4); short protein forms V213fs, V221fs.
Identifiers: ClinVar variation 2430689 (VCV002430689.1), dbSNP rs748889028, ClinGen allele CA2056424.
Genomic context (GRCh38, chr2:201,629,736, plus strand): 5'-TTACAGAACTCAGTTAACATTTATTTTAAGAAAAGTCCAACAAAAGCAGCCACCTGAAAG[CCCGGTGCA>C]CTGTAAGTGCCACATCTCTGGTGGTCCAGGAAGGCTTCACGTCCATTGACACATCTATGT-3'